The following is an entry in ClinVar:

ClinVar aggregate classification (germline): Uncertain significance (1 of 4 stars; one submission).

Submission:

Greenwood Genetic Center Diagnostic Laboratories, Greenwood Genetic Center
Classification: Uncertain significance. Last evaluated: 2025-01-31. Review status: criteria provided, single submitter. Criteria: ACMG Guidelines, 2015. Collection method: clinical testing. Allele origin: germline.
Comment: PM2, PP3

NM_000113.3(TOR1A):c.923C>G (p.Pro308Arg)

Gene: TOR1A (torsin family 1 member A; minus strand). Cytogenetic location: 9q34.11.
Variant type: single nucleotide variant.
Coding change: c.923C>G on transcript NM_000113.3 (MANE Select); coding-DNA position 923, C replaced by G.
Protein change: p.Pro308Arg; replaces proline 308 with arginine.
Molecular consequence: missense variant.
Genome position (GRCh38, 1-based): chr9:129,814,048, G>C on the plus strand (C>G on the coding strand, the complement: TOR1A is on the minus strand). VCF-style: chr9-129814048-G-C. GRCh37 (hg19) VCF-style: chr9-132576327-G-C.
Other names: short protein forms P308R.
Identifiers: ClinVar variation 4851647 (VCV004851647.1).